The following is an entry in ClinVar:

NM_198060.4(NRAP):c.1338T>C (p.Ala446=)

Gene: NRAP (nebulin related anchoring protein; minus strand). Cytogenetic location: 10q25.3.
Variant type: single nucleotide variant.
Coding change: c.1338T>C on transcript NM_198060.4 (MANE Select); coding-DNA position 1338, T replaced by C.
Protein change: p.Ala446=; no amino-acid change (alanine 446 retained).
Molecular consequence: synonymous variant.
Genome position (GRCh38, 1-based): chr10:113,640,317, A>G on the plus strand (T>C on the coding strand, the complement: NRAP is on the minus strand). VCF-style: chr10-113640317-A-G. GRCh37 (hg19) VCF-style: chr10-115400076-A-G.
Other names: c.1338T>C, p.Ala446= (NM_001261463.2, NM_001322945.2); c.1233T>C, p.Ala411= (NM_006175.5); c.1338T>C (NM_198060.3).
Identifiers: ClinVar variation 769788 (VCV000769788.31), dbSNP rs76861484, ClinGen allele CA5695576.

ClinVar aggregate classification (germline): Benign. Review status: criteria provided, multiple submitters, no conflicts (2 of 4 stars). 5 submissions from 5 submitters: Benign (4). 1 of the submissions does not count toward it. Last evaluated 2025-04-09.

Conditions:
NRAP-related disorder. Also called: NRAP-related condition.

Allele frequency attached by ClinVar (database versions not stated): 1000 Genomes Project 30x 0.00281; 1000 Genomes Project 0.00300; gnomAD 0.00580 and 0.00581; TOPMed 0.00601; gnomAD exomes 0.00604 and 0.00974; ExAC 0.00614; ESP Exome Variant Server 0.00692.
gnomAD v4.1: 14,860 of 1,581,528 alleles (0.94%); highest among the groups gnomAD compares: Non-Finnish European, 1.2%; 96 homozygotes.

Submissions (5):

Molecular Diagnostic Laboratory for Inherited Cardiovascular Disease, Montreal Heart Institute
Classification: Benign. Last evaluated: 2025-04-09. Review status: criteria provided, single submitter. Criteria: ACMG Guidelines, 2015. Collection method: clinical testing. Allele origin: germline. Affected: no.

CeGaT Center for Human Genetics Tuebingen
Classification: Benign. Last evaluated: 2023-01-01. Review status: criteria provided, single submitter. Criteria: CeGaT Center For Human Genetics Tuebingen Variant Classification Criteria Version 2. Collection method: clinical testing. Allele origin: germline. Affected: yes. Observed: 1 variant allele.
Comment: NRAP: BP4, BP7, BS1, BS2

Labcorp Genetics (formerly Invitae), Labcorp
Classification: Benign. Last evaluated: 2019-12-31. Review status: criteria provided, single submitter. Criteria: Invitae Variant Classification Sherloc (09022015). Collection method: clinical testing. Allele origin: germline.

Breakthrough Genomics
Classification: Benign. Review status: criteria provided, single submitter. Criteria: ACMG Guidelines, 2015. Collection method: not provided. Allele origin: germline. Inheritance: Unknown mechanism. Affected: yes.

PreventionGenetics, part of Exact Sciences
Classification: Benign for NRAP-related condition. Last evaluated: 2019-02-20. Review status: no assertion criteria provided. Collection method: clinical testing. Allele origin: germline. Not counted in ClinVar's aggregate classification.
Comment: This variant is classified as benign based on ACMG/AMP sequence variant interpretation guidelines (Richards et al. 2015 PMID: 25741868, with internal and published modifications).